The following is an entry in ClinVar:

ClinVar aggregate classification (germline): Uncertain significance (1 of 4 stars; one submission).

Conditions:
MEGF10-related myopathy (CMYO10A). Also called: Congenital myopathy 10A, severe variant. Identifiers: Orphanet 439212, MedGen C3280679, MONDO:0013731, OMIM 614399.

Allele frequency attached by ClinVar (database versions not stated): gnomAD exomes 0.00001.
gnomAD v4.1: 4 of 1,614,154 alleles (0.00025%); highest among the groups gnomAD compares: Admixed American, 0.005%; no homozygotes.

Submission:

Labcorp Genetics (formerly Invitae), Labcorp
Classification: Uncertain significance for MEGF10-related myopathy. Last evaluated: 2022-06-16. Review status: criteria provided, single submitter. Criteria: Invitae Variant Classification Sherloc (09022015). Collection method: clinical testing. Allele origin: germline.
Comment: In summary, the available evidence is currently insufficient to determine the role of this variant in disease. Therefore, it has been classified as a Variant of Uncertain Significance. Algorithms developed to predict the effect of missense changes on protein structure and function are either unavailable or do not agree on the potential impact of this missense change (SIFT: "Deleterious"; PolyPhen-2: "Benign"; Align-GVGD: "Class C0"). This variant has not been reported in the literature in individuals affected with MEGF10-related conditions. This variant is present in population databases (no rsID available, gnomAD 0.006%). This sequence change replaces histidine, which is basic and polar, with tyrosine, which is neutral and polar, at codon 941 of the MEGF10 protein (p.His941Tyr).

NM_001256545.2(MEGF10):c.2821C>T (p.His941Tyr)

Gene: MEGF10 (multiple EGF like domains 10; plus strand). Cytogenetic location: 5q23.2.
Variant type: single nucleotide variant.
Coding change: c.2821C>T on transcript NM_001256545.2 (MANE Select); coding-DNA position 2821, C replaced by T.
Protein change: p.His941Tyr; replaces histidine 941 with tyrosine.
Molecular consequence: missense variant.
Genome position (GRCh38, 1-based): chr5:127,447,649, C>T. VCF-style: chr5-127447649-C-T. GRCh37 (hg19) VCF-style: chr5-126783341-C-T.
Other names: c.2821C>T, p.His941Tyr (NM_032446.3); short protein forms H941Y.
Identifiers: ClinVar variation 2044586 (VCV002044586.2), dbSNP rs1458592618, ClinGen allele CA360735242.